The following is an entry in ClinVar:

ClinVar aggregate classification (germline): Uncertain significance (0 of 4 stars; one submission).

Conditions:
TAF1-related disorder. Also called: TAF1-related condition.

Submission:

PreventionGenetics, part of Exact Sciences
Classification: Uncertain significance for TAF1-related condition. Last evaluated: 2024-09-16. Review status: no assertion criteria provided. Collection method: clinical testing. Allele origin: germline.
Comment: The TAF1 c.4439A>G variant is predicted to result in the amino acid substitution p.Tyr1480Cys. To our knowledge, this variant has not been reported in the literature or in a large population database, indicating this variant is rare. At this time, the clinical significance of this variant is uncertain due to the absence of conclusive functional and genetic evidence.

NM_004606.5(TAF1):c.4379A>G (p.Tyr1460Cys)

Gene: TAF1 (TATA-box binding protein associated factor 1; plus strand). Cytogenetic location: Xq13.1.
Variant type: single nucleotide variant.
Coding change: c.4379A>G on transcript NM_004606.5 (MANE Select); coding-DNA position 4379, A replaced by G.
Protein change: p.Tyr1460Cys; replaces tyrosine 1460 with cysteine.
Molecular consequence: missense variant. On other transcripts: non-coding transcript variant (9).
Genome position (GRCh38, 1-based): chrX:71,408,146, A>G. VCF-style: chrX-71408146-A-G. GRCh37 (hg19) VCF-style: chrX-70627996-A-G.
Other names: c.4379A>G, p.Tyr1460Cys (NM_001286074.2); c.4316A>G, p.Tyr1439Cys (NM_138923.4); short protein forms Y1439C, Y1460C.
Identifiers: ClinVar variation 3346992 (VCV003346992.1).